The following is an entry in ClinVar:

NM_002529.4(NTRK1):c.1783G>A (p.Gly595Arg)

Gene: NTRK1 (neurotrophic receptor tyrosine kinase 1; plus strand). Cytogenetic location: 1q23.1.
Variant type: single nucleotide variant.
Coding change: c.1783G>A on transcript NM_002529.4 (MANE Select); coding-DNA position 1783, G replaced by A.
Protein change: p.Gly595Arg; replaces glycine 595 with arginine.
Molecular consequence: missense variant.
Genome position (GRCh38, 1-based): chr1:156,876,550, G>A. VCF-style: chr1-156876550-G-A. GRCh37 (hg19) VCF-style: chr1-156846342-G-A.
Other names: c.1675G>A, p.Gly559Arg (NM_001007792.1); c.1765G>A, p.Gly589Arg (NM_001012331.2); c.1765G>A (NM_001012331.1); short protein forms G559R, G589R, G595R.
Identifiers: ClinVar variation 1055425 (VCV001055425.10), dbSNP rs746049437, ClinGen allele CA1169467.

ClinVar aggregate classification (germline): Uncertain significance. Review status: criteria provided, multiple submitters, no conflicts (2 of 4 stars). 2 submissions from 2 submitters: Uncertain significance (2). Last evaluated 2024-05-07.

Conditions:
Hereditary insensitivity to pain with anhidrosis (CIPA). Also called: HSAN Type IV; INSENSITIVITY TO PAIN, CONGENITAL, WITH ANHIDROSIS; FAMILIAL DYSAUTONOMIA, TYPE II; hereditary sensory and autonomic neuropathy type 4; NEUROPATHY, CONGENITAL SENSORY, WITH ANHIDROSIS; NTRK1 Congenital Insensitivity to Pain with Anhidrosis. Identifiers: Orphanet 642, MedGen C0020074, MONDO:0009746, OMIM 256800.
Inborn genetic diseases. Identifiers: MedGen C0950123, MeSH D030342.

Allele frequency attached by ClinVar (database versions not stated): TOPMed below 0.00001; gnomAD 0.00001; gnomAD exomes 0.00002; ExAC 0.00003.
gnomAD v4.1: 8 of 1,612,810 alleles (0.0005%); highest among the groups gnomAD compares: Admixed American, 0.0033%; no homozygotes.

Submissions (2):

Labcorp Genetics (formerly Invitae), Labcorp
Classification: Uncertain significance for Hereditary insensitivity to pain with anhidrosis. Last evaluated: 2024-05-07. Review status: criteria provided, single submitter. Criteria: Invitae Variant Classification Sherloc (09022015). Collection method: clinical testing. Allele origin: germline.
Comment: This sequence change replaces glycine, which is neutral and non-polar, with arginine, which is basic and polar, at codon 589 of the NTRK1 protein (p.Gly589Arg). This variant is present in population databases (rs746049437, gnomAD 0.01%). This variant has not been reported in the literature in individuals affected with NTRK1-related conditions. ClinVar contains an entry for this variant (Variation ID: 1055425). Advanced modeling of protein sequence and biophysical properties (such as structural, functional, and spatial information, amino acid conservation, physicochemical variation, residue mobility, and thermodynamic stability) has been performed at Invitae for this missense variant, however the output from this modeling did not meet the statistical confidence thresholds required to predict the impact of this variant on NTRK1 protein function. In summary, the available evidence is currently insufficient to determine the role of this variant in disease. Therefore, it has been classified as a Variant of Uncertain Significance.

Ambry Genetics
Classification: Uncertain significance for Inborn genetic diseases. Last evaluated: 2024-05-02. Review status: criteria provided, single submitter. Criteria: Ambry Variant Classification Scheme 2023. Collection method: clinical testing. Allele origin: germline.